The following is an entry in ClinVar:

ClinVar aggregate classification (germline): Conflicting classifications of pathogenicity. Review status: criteria provided, conflicting classifications (1 of 4 stars). 3 submissions from 3 submitters: Uncertain significance (2); Likely benign (1). Last evaluated 2024-07-11.

Conditions:
Primary ciliary dyskinesia. Also called: Ciliary dyskinesia. Identifiers: Orphanet 244, MedGen C0008780, MONDO:0016575, HP:0012265.

Submissions (3):

Blueprint Genetics
Classification: Likely benign. Last evaluated: 2024-07-11. Review status: criteria provided, single submitter. Criteria: ACMG Guidelines, 2015. Collection method: clinical testing. Allele origin: germline.

Labcorp Genetics (formerly Invitae), Labcorp
Classification: Uncertain significance for Primary ciliary dyskinesia. Last evaluated: 2022-04-15. Review status: criteria provided, single submitter. Criteria: Invitae Variant Classification Sherloc (09022015). Collection method: clinical testing. Allele origin: germline.
Comment: This variant is not present in population databases (gnomAD no frequency). In summary, the available evidence is currently insufficient to determine the role of this variant in disease. Therefore, it has been classified as a Variant of Uncertain Significance. Experimental studies and prediction algorithms are not available or were not evaluated, and the functional significance of this variant is currently unknown. This variant has not been reported in the literature in individuals affected with RPGR (ORF15)-related conditions. This variant, c.2731_2757del, results in the deletion of 9 amino acid(s) of the RPGR (ORF15) protein (p.Glu911_Gly919del), but otherwise preserves the integrity of the reading frame.

PreventionGenetics, part of Exact Sciences
Classification: Uncertain significance. Last evaluated: 2018-10-03. Review status: criteria provided, single submitter. Criteria: ACMG Guidelines, 2015. Collection method: clinical testing. Allele origin: germline.

NM_001034853.2(RPGR):c.2731_2757del (p.Glu911_Gly919del)

Gene: RPGR (retinitis pigmentosa GTPase regulator; minus strand). Cytogenetic location: Xp11.4.
Variant type: Deletion.
Coding change: c.2731_2757del on transcript NM_001034853.2 (MANE Select); coding-DNA positions 2731 to 2757, 27 bases deleted (GAGGGAGAAGAGGAGGAAGGAGAAGGG).
Protein change: p.Glu911_Gly919del.
Molecular consequence: inframe deletion. On other transcripts: intron variant (8).
Genome position (GRCh38, 1-based): chrX:38,286,242-38,286,268, CCCTTCTCCTTCCTCCTCTTCTCCCTC deleted on the plus strand (GAGGGAGAAGAGGAGGAAGGAGAAGGG on the coding strand, the reverse complement: RPGR is on the minus strand); deleting any 27 consecutive bases within chrX:38,286,242-38,286,283 gives the same sequence; the c. name uses the placement nearest the transcript's 3' end. VCF-style (leftmost placement, unchanged base first): chrX-38286241-TCCCTTCTCCTTCCTCCTCTTCTCCCTC-T. GRCh37 (hg19) VCF-style: chrX-38145494-TCCCTTCTCCTTCCTCCTCTTCTCCCTC-T.
Other names: c.1569+4691_1569+4717del (NM_001367249.1, NM_001367250.1); c.1902+826_1902+852del (NM_001367245.1); c.1386+4691_1386+4717del (NM_001367251.1); c.1719+826_1719+852del (NM_001367246.1); c.1572+4691_1572+4717del (NM_001367247.1); c.1905+826_1905+852del (NM_000328.3); c.1602+4691_1602+4717del (NM_001367248.1).
Identifiers: ClinVar variation 1802370 (VCV001802370.8), dbSNP rs2519787323, ClinGen allele CA2571345851.